The following is an entry in ClinVar:

ClinVar aggregate classification (germline): Uncertain significance (1 of 4 stars; one submission).

Conditions:
Autosomal recessive limb-girdle muscular dystrophy type 2J (LGMDR10). Also called: MUSCULAR DYSTROPHY, LIMB-GIRDLE, AUTOSOMAL RECESSIVE 10; Limb-girdle muscular dystrophy, type 2J. Identifiers: Orphanet 140922, MedGen C1837342, MONDO:0012127, OMIM 608807.
Dilated cardiomyopathy 1G (CMD1G). Identifiers: Orphanet 154, MedGen C1858763, MONDO:0011400, OMIM 604145.

Allele frequency attached by ClinVar (database versions not stated): gnomAD exomes below 0.00001; ExAC 0.00001.
gnomAD v4.1: 5 of 1,613,976 alleles (0.00031%); highest among the groups gnomAD compares: Admixed American, 0.0017%; no homozygotes.

Submission:

Labcorp Genetics (formerly Invitae), Labcorp
Classification: Uncertain significance for Dilated cardiomyopathy 1G; Autosomal recessive limb-girdle muscular dystrophy type 2J. Last evaluated: 2020-05-10. Review status: criteria provided, single submitter. Criteria: Invitae Variant Classification Sherloc (09022015). Collection method: clinical testing. Allele origin: germline.
Comment: In summary, the available evidence is currently insufficient to determine the role of this variant in disease. Therefore, it has been classified as a Variant of Uncertain Significance. Algorithms developed to predict the effect of missense changes on protein structure and function are unavailable for the TTN gene. This variant is located in the M band of TTN (PMID: 25589632). Variants in this region may be relevant for neuromuscular disorders, but have not been definitively shown to cause cardiomyopathy (PMID: 23975875). This variant has not been reported in the literature in individuals with TTN-related conditions. This variant is present in population databases (rs747582398, ExAC 0.009%). This sequence change replaces lysine with arginine at codon 34479 of the TTN protein (p.Lys34479Arg). There is a small physicochemical difference between lysine and arginine.

Literature cited by the submitters: PubMed 25589632; PubMed 23975875.

NM_001267550.2(TTN):c.103436A>G (p.Lys34479Arg)

Genes: TTN-AS1 (TTN antisense RNA 1; plus strand), TTN (titin; minus strand). Cytogenetic location: 2q31.2.
Variant type: single nucleotide variant.
Coding change: c.103436A>G on transcript NM_001267550.2 (MANE Select); coding-DNA position 103436, A replaced by G.
Protein change: p.Lys34479Arg; replaces lysine 34479 with arginine.
Molecular consequence: missense variant.
Genome position (GRCh38, 1-based): chr2:178,533,179, T>C on the plus strand (A>G on the coding strand, the complement: TTN is on the minus strand). VCF-style: chr2-178533179-T-C. GRCh37 (hg19) VCF-style: chr2-179397906-T-C.
Other names: c.98513A>G, p.Lys32838Arg (NM_001256850.1); c.76241A>G, p.Lys25414Arg (NM_003319.4); c.95732A>G, p.Lys31911Arg (NM_133378.4); c.76616A>G, p.Lys25539Arg (NM_133432.3); c.76817A>G, p.Lys25606Arg (NM_133437.4); short protein forms K25414R, K25539R, K25606R, K31911R, K32838R, K34479R.
Identifiers: ClinVar variation 1059248 (VCV001059248.7), dbSNP rs747582398, ClinGen allele CA1985603.